The following is an entry in ClinVar:

ClinVar aggregate classification (germline): Uncertain significance (1 of 4 stars; one submission).

Submission:

Labcorp Genetics (formerly Invitae), Labcorp
Classification: Uncertain significance. Last evaluated: 2022-10-21. Review status: criteria provided, single submitter. Criteria: Invitae Variant Classification Sherloc (09022015). Collection method: clinical testing. Allele origin: germline.
Comment: In summary, the available evidence is currently insufficient to determine the role of this variant in disease. Therefore, it has been classified as a Variant of Uncertain Significance. Experimental studies and prediction algorithms are not available or were not evaluated, and the effect of this variant on mRNA splicing is currently unknown. This variant has not been reported in the literature in individuals affected with POLR1A-related conditions. Information on the frequency of this variant in the gnomAD database is not available, as this variant may be reported differently in the database. This sequence change falls in intron 9 of the POLR1A gene. It does not directly change the encoded amino acid sequence of the POLR1A protein.

NM_015425.6(POLR1A):c.1086+14_1086+15delinsAT

Gene: POLR1A (RNA polymerase I subunit A; minus strand). Cytogenetic location: 2p11.2.
Variant type: Indel.
Coding change: c.1086+14_1086+15delinsAT on transcript NM_015425.6 (MANE Select); bases 14 to 15 of the intron after coding-DNA position 1086, TG replaced by AT.
Molecular consequence: intron variant.
Genome position (GRCh38, 1-based): chr2:86,080,801-86,080,802, CA replaced by AT on the plus strand (TG replaced by AT on the coding strand, the reverse complement: POLR1A is on the minus strand). VCF-style: chr2-86080801-CA-AT. GRCh37 (hg19) VCF-style: chr2-86307924-CA-AT.
Identifiers: ClinVar variation 1936747 (VCV001936747.5), dbSNP rs2466451610, ClinGen allele CA2580068269.